The following is an entry in ClinVar:

NM_004586.3(RPS6KA3):c.165T>A (p.His55Gln)

Gene: RPS6KA3 (ribosomal protein S6 kinase A3; minus strand). Cytogenetic location: Xp22.12.
Variant type: single nucleotide variant.
Coding change: c.165T>A on transcript NM_004586.3 (MANE Select); coding-DNA position 165, T replaced by A.
Protein change: p.His55Gln; replaces histidine 55 with glutamine.
Molecular consequence: missense variant.
Genome position (GRCh38, 1-based): chrX:20,209,366, A>T on the plus strand (T>A on the coding strand, the complement: RPS6KA3 is on the minus strand). VCF-style: chrX-20209366-A-T. GRCh37 (hg19) VCF-style: chrX-20227484-A-T.
Other names: c.81T>A, p.His27Gln (NM_001438340.1); short protein forms H55Q, H27Q.
Identifiers: ClinVar variation 4789429 (VCV004789429.1).

ClinVar aggregate classification (germline): Uncertain significance (1 of 4 stars; one submission).

Conditions:
Intellectual developmental disorder, X-linked 19. Also called: Intellectual disability, X-linked 19. Identifiers: Orphanet 777, MedGen C0796225, MONDO:0010447, OMIM 300844.
Coffin-Lowry syndrome (CLS). Also called: Mental retardation with osteocartilaginous abnormalities; COFFIN-LOWRY SYNDROME, MILD. Identifiers: Orphanet 192, MedGen C0265252, MONDO:0010561, OMIM 303600.

Submission:

Labcorp Genetics (formerly Invitae), Labcorp
Classification: Uncertain significance for Coffin-Lowry syndrome; Intellectual developmental disorder, X-linked 19. Last evaluated: 2025-10-02. Review status: criteria provided, single submitter. Criteria: Invitae Variant Classification Sherloc (09022015). Collection method: clinical testing. Allele origin: germline.
Comment: This sequence change replaces histidine, which is basic and polar, with glutamine, which is neutral and polar, at codon 55 of the RPS6KA3 protein (p.His55Gln). This variant is not present in population databases (gnomAD no frequency). This variant has not been reported in the literature in individuals affected with RPS6KA3-related conditions. Invitae Evidence Modeling of protein sequence and biophysical properties (such as structural, functional, and spatial information, amino acid conservation, physicochemical variation, residue mobility, and thermodynamic stability) indicates that this missense variant is not expected to disrupt RPS6KA3 protein function with a negative predictive value of 95%. In summary, the available evidence is currently insufficient to determine the role of this variant in disease. Therefore, it has been classified as a Variant of Uncertain Significance.